The following is an entry in ClinVar:

NM_000238.4(KCNH2):c.2453C>T (p.Ser818Leu)

Gene: KCNH2 (potassium voltage-gated channel subfamily H member 2; minus strand). Cytogenetic location: 7q36.1.
Variant type: single nucleotide variant.
Coding change: c.2453C>T on transcript NM_000238.4 (MANE Select); coding-DNA position 2453, C replaced by T.
Protein change: p.Ser818Leu; replaces serine 818 with leucine.
Molecular consequence: missense variant.
Genome position (GRCh38, 1-based): chr7:150,948,995, G>A on the plus strand (C>T on the coding strand, the complement: KCNH2 is on the minus strand). VCF-style: chr7-150948995-G-A. GRCh37 (hg19) VCF-style: chr7-150646083-G-A.
Other names: c.2453C>T (LRG_288t1); c.1433C>T, p.Ser478Leu (NM_172057.3); short protein forms S818L, S478L.
Identifiers: ClinVar variation 14432 (VCV000014432.19), dbSNP rs121912510, ClinGen allele CA006763.

ClinVar aggregate classification (germline): Pathogenic. Review status: criteria provided, multiple submitters, no conflicts (2 of 4 stars). 10 submissions from 10 submitters: Pathogenic (8). 2 of the submissions do not count toward it. Last evaluated 2025-09-02.

Conditions:
Cardiovascular phenotype. Identifiers: MedGen CN230736.
Cardiac arrhythmia. Also called: Arrhythmia; Cardiac rhythm disease. Identifiers: MedGen C0003811, MONDO:0007263, HP:0011675.
Familial long QT syndrome (RWS). Also called: Romano-Ward syndrome; Congenital long QT syndrome; VENTRICULAR FIBRILLATION WITH PROLONGED QT INTERVAL. Identifiers: Orphanet 768, MedGen C1141890, MONDO:0019171.
Long QT syndrome (LQTS). Identifiers: MedGen C0023976, MeSH D008133, MONDO:0002442. Disease mechanism: loss of function. Inheritance: Various modes of inheritance.
Long QT syndrome 2 (LQT2). Identifiers: Orphanet 101016, Orphanet 768, MedGen C3150943, MONDO:0013367, OMIM 613688.

Allele frequency attached by ClinVar (database versions not stated): gnomAD exomes below 0.00001; TOPMed below 0.00001; ExAC 0.00001.

Submissions (10):

Labcorp Genetics (formerly Invitae), Labcorp
Classification: Pathogenic for Long QT syndrome. Last evaluated: 2025-09-02. Review status: criteria provided, single submitter. Criteria: Invitae Variant Classification Sherloc (09022015). Collection method: clinical testing. Allele origin: germline.
Comment: This sequence change replaces serine, which is neutral and polar, with leucine, which is neutral and non-polar, at codon 818 of the KCNH2 protein (p.Ser818Leu). This variant is present in population databases (rs121912510, gnomAD 0.003%). This missense change has been observed in individual(s) with long QT syndrome (PMID: 10086971, 17088455, 18441445, 23158531, 26669661). In at least one individual the variant was observed to be de novo. ClinVar contains an entry for this variant (Variation ID: 14432). An algorithm developed to predict the effect of missense changes on protein structure and function (PolyPhen-2) suggests that this variant is likely to be disruptive. Experimental studies have shown that this missense change affects KCNH2 function (PMID: 10996323, 16432067, 23303164). For these reasons, this variant has been classified as Pathogenic.

Ambry Genetics
Classification: Pathogenic for Cardiovascular phenotype. Last evaluated: 2025-03-06. Review status: criteria provided, single submitter. Criteria: Ambry Variant Classification Scheme 2023. Collection method: clinical testing. Allele origin: germline.
Comment: The p.S818L pathogenic mutation (also known as c.2453C>T), located in coding exon 10 of the KCNH2 gene, results from a C to T substitution at nucleotide position 2453. The serine at codon 818 is replaced by leucine, an amino acid with dissimilar properties. This variant has also been reported in additional long QT syndrome cohorts (Nagaoka I et al. Circ. J., 2008 May;72:694-9; Crotti L et al. J. Am. Coll. Cardiol., 2012 Dec;60:2515-24; Stattin EL et al. BMC Cardiovasc Disord, 2012 Oct;12:95). Functional studies have demonstrated trafficking deficiency with significant reduction in potassium channel function (Anderson CL et al. Circulation, 2006 Jan;113:365-73; Perry MD et al. J. Physiol. (Lond.), 2016 07;594:4031-49). In addition, this alteration is predicted to be deleterious by in silico analysis. Based on the supporting evidence, this alteration is interpreted as a disease-causing mutation.

All of Us Research Program, National Institutes of Health
Classification: Pathogenic for Long QT syndrome. Last evaluated: 2024-09-18. Review status: criteria provided, single submitter. Criteria: ACMG Guidelines, 2015. Collection method: clinical testing. Allele origin: germline. Inheritance: Autosomal dominant inheritance. Observed: 1 variant allele, 1 heterozygote.
Comment: The c.2453C>T (p.Ser818Leu) variant in KCNH2 gene, that encodes for potassium voltage-gated channel subfamily H member 2, has been identified in numerous (>30) individuals affected with long QT syndrome (LQTS) (PMID: 21440677, 18441445, 23158531, 27920829, 32893267, 26669661), including one individual with de novo occurrence (PMID: 10086971). Functional studies using Xenopus oocytes, HEK293 cells and rescue experiments on morpholino kcnh2-knockdown zebra fish revealed that KCNH2-S818L mutant can cause significantly reduced current amplitude, trafficking deficiency, reduced membrane expression and channel dysfunction (PMID: 10996323, 16432067, 26958806, 23303164). This variant is located in the C-terminal cyclic nucleotide binding domain and this domain is characterized by high enrichment of case variants and >95% probability of pathogenicity (PMID: 32893267). In-silico computational prediction tools suggest that the p.Ser818Leu variant may have deleterious effect on the protein function (REVEL score: 0.97). This variant is rare (4/1614168 chromosomes; 0.0002478%) in the general population database, gnomAD (v4.1.0), and classified as pathogenic by multiple submitters in ClinVar (ID: 14432). Therefore, the c.2453C>T (p.Ser818Leu) variant in the KCNH2 gene is classified as pathogenic.

This study involves interpretation of variants in research participants for the purpose of population health screening. Participant phenotype was not available at the time of variant classification. Additional details can be found in publication PMID: 35346344, PMCID: PMC8962531

Color Diagnostics, LLC DBA Color Health
Classification: Pathogenic for Cardiac arrhythmia. Last evaluated: 2023-10-10. Review status: criteria provided, single submitter. Criteria: ACMG Guidelines, 2015. Collection method: clinical testing. Allele origin: germline.
Comment: This missense variant replaces serine with leucine at codon 818 in the KCNH2 protein. This variant is found within the highly conserved cyclic nucleotide binding domain (aa 742-842). Rare non-truncating variants in this region have been shown to be significantly overrepresented in individuals with long QT syndrome (PMID: 32893267). Functional studies have shown that this variant causes trafficking defects resulting in reduced membrane expression and impaired channel function (PMID: 10996323, 16432067, 23303164, 26958806, 31557540). This variant has been reported in over twenty individuals affected with long QT syndrome (PMID: 10086971, 18441445, 21440677, 23158531, 26669661, 27920829, 32893267, 35253369, 36102233) and has been observed to be a de novo occurrence in at least one of the probands (PMID: 10086971). This variant has also been reported in an individual affected with sudden cardiac death and idiopathic left ventricular hypertrophy (PMID: 32011662). Two relatives of this proband also carried this variant, who were both affected with long QT syndrome. This variant has been identified in 1/251432 chromosomes in the general population by the Genome Aggregation Database (gnomAD). Based on the available evidence, this variant is classified as Pathogenic.

Clinical Genetics Laboratory, Skane University Hospital Lund
Classification: Pathogenic. Last evaluated: 2022-05-27. Review status: criteria provided, single submitter. Criteria: ACMG Guidelines, 2015. Collection method: clinical testing. Allele origin: germline. Affected: yes.

Molecular Diagnostic Laboratory for Inherited Cardiovascular Disease, Montreal Heart Institute
Classification: Pathogenic for Cardiovascular phenotype. Last evaluated: 2022-02-16. Review status: criteria provided, single submitter. Criteria: ACMG Guidelines, 2015. Collection method: clinical testing. Allele origin: germline. Affected: yes.

MVZ Martinsried, Medicover Genetics
Classification: Pathogenic for Long QT syndrome 2. Last evaluated: 2019-09-10. Review status: criteria provided, single submitter. Criteria: ACMG Guidelines, 2015. Collection method: clinical testing. Allele origin: unknown. Affected: yes.

Clinical Genetics Service, Universitary Hospital 12 de Octubre
Classification: Pathogenic for Long QT syndrome 2. Review status: criteria provided, single submitter. Criteria: ACMG Guidelines, 2015. Collection method: clinical testing. Allele origin: germline. Affected: yes.

OMIM
Classification: Pathogenic for LONG QT SYNDROME 2. Last evaluated: 2000-09-15. Review status: no assertion criteria provided. Collection method: literature only. Allele origin: germline. Not counted in ClinVar's aggregate classification.

Cardiovascular Biomedical Research Unit, Royal Brompton & Harefield NHS Foundation Trust
No classification provided. Condition: Familial long QT syndrome. Review status: no classification provided. Collection method: literature only. Allele origin: germline. Not counted in ClinVar's aggregate classification.
Comment: This variant has been reported as associated with Long QT syndrome in the following publications (PMID:10086971;PMID:10996323;PMID:11222472;PMID:16432067;PMID:16831322;PMID:18441445). This is a literature report, and does not necessarily reflect the clinical interpretation of the Imperial College / Royal Brompton Cardiovascular Genetics laboratory.

Literature cited by the submitters: PubMed 10086971 (cited by 6 submitters); PubMed 17088455 (cited by Labcorp Genetics (formerly Invitae), Labcorp); PubMed 18441445 (cited by 5 submitters); PubMed 23158531 (cited by 4 submitters); PubMed 26669661 (cited by 3 submitters); PubMed 10996323 (cited by 5 submitters); PubMed 16432067 (cited by 5 submitters); PubMed 23303164 (cited by 3 submitters); PubMed 12741719 (cited by Ambry Genetics); PubMed 23098067 (cited by Ambry Genetics); PubMed 26958806 (cited by 3 submitters); PubMed 21440677 (cited by All of Us Research Program, National Institutes of Health and Color Diagnostics, LLC DBA Color Health); PubMed 27920829 (cited by All of Us Research Program, National Institutes of Health and Color Diagnostics, LLC DBA Color Health); PubMed 32893267 (cited by All of Us Research Program, National Institutes of Health and Color Diagnostics, LLC DBA Color Health); PubMed 31557540 (cited by Color Diagnostics, LLC DBA Color Health); PubMed 32011662 (cited by Color Diagnostics, LLC DBA Color Health); PubMed 35253369 (cited by Color Diagnostics, LLC DBA Color Health); PubMed 36102233 (cited by Color Diagnostics, LLC DBA Color Health); PubMed 11222472 (cited by Cardiovascular Biomedical Research Unit, Royal Brompton & Harefield NHS Foundation Trust); PubMed 16831322 (cited by Cardiovascular Biomedical Research Unit, Royal Brompton & Harefield NHS Foundation Trust); PubMed 22581653 (cited by Cardiovascular Biomedical Research Unit, Royal Brompton & Harefield NHS Foundation Trust).